The following is an entry in ClinVar:

NM_006828.4(ASCC3):c.366_370del (p.Pro123fs)

Gene: ASCC3 (activating signal cointegrator 1 complex subunit 3; minus strand). Cytogenetic location: 6q16.3.
Variant type: Deletion.
Coding change: c.366_370del on transcript NM_006828.4 (MANE Select); coding-DNA positions 366 to 370, 5 bases deleted (TCCTT; older notation c.366_370delTCCTT).
Protein change: p.Pro123fs; shifts the reading frame from proline 123.
Molecular consequence: frameshift variant.
Genome position (GRCh38, 1-based): chr6:100,848,579-100,848,583, AAGGA deleted on the plus strand (TCCTT on the coding strand, the reverse complement: ASCC3 is on the minus strand); deleting any 5 consecutive bases within chr6:100,848,579-100,848,587 gives the same sequence; the c. name uses the placement nearest the transcript's 3' end. VCF-style (leftmost placement, unchanged base first): chr6-100848578-GAAGGA-G. GRCh37 (hg19) VCF-style: chr6-101296454-GAAGGA-G.
Other names: c.366_370del, p.Pro123fs (NM_001284271.2); short protein forms P123fs.
Identifiers: ClinVar variation 3774903 (VCV003774903.1).

ClinVar aggregate classification (germline): Uncertain significance (1 of 4 stars; one submission).

Submission:

GeneDx
Classification: Uncertain significance. Last evaluated: 2024-09-30. Review status: criteria provided, single submitter. Criteria: GeneDx Variant Classification Process June 2021. Collection method: clinical testing. Allele origin: germline. Affected: yes.
Comment: Frameshift variant predicted to result in protein truncation or nonsense mediated decay in a gene or region of a gene for which loss of function is not a well-established mechanism of disease; Has not been previously published as pathogenic or benign to our knowledge